The following is an entry in ClinVar:

ClinVar aggregate classification (germline): Likely pathogenic. Review status: criteria provided, multiple submitters, no conflicts (2 of 4 stars). 3 submissions from 3 submitters: Likely pathogenic (3). Last evaluated 2025-11-24.

Conditions:
Hereditary diffuse gastric adenocarcinoma (HDGC). Also called: DIFFUSE GASTRIC AND LOBULAR BREAST CANCER SYNDROME. Identifiers: Orphanet 26106, MedGen C1708349, MONDO:0007648, OMIM 137215.
Hereditary cancer-predisposing syndrome. Also called: Neoplastic Syndromes, Hereditary; Hereditary Cancer Syndrome; Tumor predisposition; Hereditary neoplastic syndrome. Identifiers: Orphanet 140162, MedGen C0027672, MeSH D009386, MONDO:0015356.

Submissions (3):

Labcorp Genetics (formerly Invitae), Labcorp
Classification: Likely pathogenic for Hereditary diffuse gastric adenocarcinoma. Last evaluated: 2025-11-24. Review status: criteria provided, single submitter. Criteria: Invitae Variant Classification Sherloc (09022015). Collection method: clinical testing. Allele origin: germline.
Comment: This sequence change falls in intron 12 of the CDH1 gene. It does not directly change the encoded amino acid sequence of the CDH1 protein. RNA analysis indicates that this variant induces altered splicing and may result in an absent or altered protein product. This variant is not present in population databases (gnomAD no frequency). This variant has been observed in individual(s) with diffuse gastric and lobular breast cancers (External communication, internal data). It has also been observed to segregate with disease in related individuals. ClinVar contains an entry for this variant (Variation ID: 582725). Variants that disrupt the consensus splice site are a relatively common cause of aberrant splicing (PMID: 17576681, 9536098). Studies have shown that this variant results in activation of a cryptic splice site, and produces a non-functional protein and/or introduces a premature termination codon (External communication). In summary, the currently available evidence indicates that the variant is pathogenic, but additional data are needed to prove that conclusively. Therefore, this variant has been classified as Likely Pathogenic.

Department of Clinical Genetics, Copenhagen University Hospital, Rigshospitalet
Classification: Likely pathogenic for Hereditary diffuse gastric adenocarcinoma. Last evaluated: 2025-02-04. Review status: criteria provided, single submitter. Criteria: ACMG Guidelines, 2015. Collection method: clinical testing. Allele origin: germline.
Comment: PVS1 (RNA); PM2_SUP

Ambry Genetics
Classification: Likely pathogenic for Hereditary cancer-predisposing syndrome. Last evaluated: 2020-12-15. Review status: criteria provided, single submitter. Criteria: Ambry Variant Classification Scheme 2023. Collection method: clinical testing. Allele origin: germline.
Comment: The c.1936+5G>A intronic variant results from a G to A substitution 5 nucleotides after coding exon 12 in the CDH1 gene. This alteration has been detected in a family with clinical history consistent with hereditary diffuse gastric cancer (Ambry internal data). This nucleotide position is well conserved in available vertebrate species. This variant was not reported in population-based cohorts in the Genome Aggregation Database (gnomAD). In silico splice site analysis predicts that this alteration will weaken the native splice donor site and internal RNA studies showed abnormal splicing in the set of samples tested (Ambry internal data). Based on the majority of available evidence to date, this variant is likely to be pathogenic.

Literature cited by the submitters: PubMed 17576681 (cited by Labcorp Genetics (formerly Invitae), Labcorp); PubMed 9536098 (cited by Labcorp Genetics (formerly Invitae), Labcorp).

NM_004360.5(CDH1):c.1936+5G>A

Gene: CDH1 (cadherin 1; plus strand). Cytogenetic location: 16q22.1.
Variant type: single nucleotide variant.
Coding change: c.1936+5G>A on transcript NM_004360.5 (MANE Select); 5 bases into the intron after coding-DNA position 1936, G replaced by A.
Molecular consequence: intron variant.
Genome position (GRCh38, 1-based): chr16:68,822,230, G>A. VCF-style: chr16-68822230-G-A. GRCh37 (hg19) VCF-style: chr16-68856133-G-A.
Other names: c.1936+5G>A (LRG_301t1); c.388+5G>A (NM_001317185.2); c.-30+5G>A (NM_001317186.2); c.1753+5G>A (NM_001317184.2).
Identifiers: ClinVar variation 582725 (VCV000582725.14), dbSNP rs1567512631, ClinGen allele CA891843866.